The following is an entry in ClinVar:

ClinVar aggregate classification (germline): Likely benign (1 of 4 stars; one submission).

Allele frequency attached by ClinVar (database versions not stated): TOPMed below 0.00001; gnomAD exomes 0.00002 and 0.00004; ExAC 0.00007.
gnomAD v4.1: 24 of 1,612,944 alleles (0.0015%); highest among the groups gnomAD compares: East Asian, 0.011%; no homozygotes.

Submission:

GeneDx
Classification: Likely benign. Last evaluated: 2016-03-29. Review status: criteria provided, single submitter. Criteria: GeneDx Variant Classification (06012015). Collection method: clinical testing. Allele origin: germline. Affected: yes.
Comment: This variant is considered likely benign or benign based on one or more of the following criteria: it is a conservative change, it occurs at a poorly conserved position in the protein, it is predicted to be benign by multiple in silico algorithms, and/or has population frequency not consistent with disease.

NM_018136.5(ASPM):c.5472A>G (p.Gln1824=)

Gene: ASPM (assembly factor for spindle microtubules; minus strand). Cytogenetic location: 1q31.3.
Variant type: single nucleotide variant.
Coding change: c.5472A>G on transcript NM_018136.5 (MANE Select); coding-DNA position 5472, A replaced by G.
Protein change: p.Gln1824=; no amino-acid change (glutamine 1824 retained).
Molecular consequence: synonymous variant. On other transcripts: intron variant (1).
Genome position (GRCh38, 1-based): chr1:197,103,779, T>C on the plus strand (A>G on the coding strand, the complement: ASPM is on the minus strand). VCF-style: chr1-197103779-T-C. GRCh37 (hg19) VCF-style: chr1-197072909-T-C.
Other names: c.4066-7615A>G (NM_001206846.2).
Identifiers: ClinVar variation 384868 (VCV000384868.1), dbSNP rs755923607, ClinGen allele CA1309751.